The following is an entry in ClinVar:

ClinVar aggregate classification (germline): Uncertain significance (1 of 4 stars; one submission).

Conditions:
Inborn genetic diseases. Identifiers: MedGen C0950123, MeSH D030342.

Submission:

Ambry Genetics
Classification: Uncertain significance for Inborn genetic diseases. Last evaluated: 2025-02-08. Review status: criteria provided, single submitter. Criteria: Ambry Variant Classification Scheme 2023. Collection method: clinical testing. Allele origin: germline.
Comment: The p.Y199F variant (also known as c.596A>T), located in coding exon 5 of the G6PC3 gene, results from an A to T substitution at nucleotide position 596. The tyrosine at codon 199 is replaced by phenylalanine, an amino acid with highly similar properties. This amino acid position is conserved. In addition, the in silico prediction for this alteration is inconclusive. Based on the available evidence, the clinical significance of this variant remains unclear.

NM_138387.4(G6PC3):c.596A>T (p.Tyr199Phe)

Gene: G6PC3 (glucose-6-phosphatase catalytic subunit 3; plus strand). Cytogenetic location: 17q21.31.
Variant type: single nucleotide variant.
Coding change: c.596A>T on transcript NM_138387.4 (MANE Select); coding-DNA position 596, A replaced by T.
Protein change: p.Tyr199Phe; replaces tyrosine 199 with phenylalanine.
Molecular consequence: missense variant. On other transcripts: synonymous variant (1).
Genome position (GRCh38, 1-based): chr17:44,075,370, A>T. VCF-style: chr17-44075370-A-T. GRCh37 (hg19) VCF-style: chr17-42152738-A-T.
Other names: c.477A>T, p.Leu159= (NM_001319945.2); c.251A>T, p.Tyr84Phe (NM_001384165.1, NM_001384166.1, NM_001384167.1 and 1 more transcripts); short protein forms Y199F, Y84F.
Identifiers: ClinVar variation 2256870 (VCV002256870.3), dbSNP rs1597910284, ClinGen allele CA399728541.